The following is an entry in ClinVar:

ClinVar aggregate classification (germline): Conflicting classifications of pathogenicity. Review status: criteria provided, conflicting classifications (1 of 4 stars). 5 submissions from 5 submitters: Uncertain significance (1); Benign (1); Likely benign (3). Last evaluated 2026-05-01.

Conditions:
Retinal dystrophy. Also called: Inherited retinal dystrophy. Identifiers: Orphanet 71862, MedGen C0854723, MeSH D058499, MONDO:0019118, HP:0000556.

Allele frequency attached by ClinVar (database versions not stated): gnomAD 0.00004 and 0.00005; gnomAD exomes 0.00004 and 0.00006; TOPMed 0.00004; ExAC 0.00007.
gnomAD v4.1: 68 of 1,613,786 alleles (0.0042%); highest among the groups gnomAD compares: East Asian, 0.036%; no homozygotes.

Submissions (5):

CeGaT Center for Human Genetics Tuebingen
Classification: Likely benign. Last evaluated: 2026-05-01. Review status: criteria provided, single submitter. Criteria: CeGaT Center For Human Genetics Tuebingen Variant Classification Criteria Version 2. Collection method: clinical testing. Allele origin: germline. Affected: yes. Observed: 1 variant allele.
Comment: PRPF8: BP4, BP7

Labcorp Genetics (formerly Invitae), Labcorp
Classification: Likely benign. Last evaluated: 2025-11-09. Review status: criteria provided, single submitter. Criteria: Invitae Variant Classification Sherloc (09022015). Collection method: clinical testing. Allele origin: germline.

Blueprint Genetics
Classification: Likely benign. Last evaluated: 2024-08-28. Review status: criteria provided, single submitter. Criteria: ACMG Guidelines, 2015. Collection method: clinical testing. Allele origin: germline.

Dept Of Ophthalmology, Nagoya University
Classification: Benign for Retinal dystrophy. Last evaluated: 2023-10-01. Review status: criteria provided, single submitter. Criteria: Submitter's publication. Collection method: research. Allele origin: germline. Affected: yes.

Eurofins Ntd Llc (ga)
Classification: Uncertain significance. Last evaluated: 2017-07-25. Review status: criteria provided, single submitter. Criteria: EGL Classification Definitions 2015. Collection method: clinical testing. Allele origin: germline. Observed: 1 variant allele, 1 heterozygote.

NM_006445.4(PRPF8):c.3045C>T (p.Val1015=)

Gene: PRPF8 (pre-mRNA processing factor 8; minus strand). Cytogenetic location: 17p13.3.
Variant type: single nucleotide variant.
Coding change: c.3045C>T on transcript NM_006445.4 (MANE Select); coding-DNA position 3045, C replaced by T.
Protein change: p.Val1015=; no amino-acid change (valine 1015 retained).
Molecular consequence: synonymous variant.
Genome position (GRCh38, 1-based): chr17:1,675,167, G>A on the plus strand (C>T on the coding strand, the complement: PRPF8 is on the minus strand). VCF-style: chr17-1675167-G-A. GRCh37 (hg19) VCF-style: chr17-1578461-G-A.
Identifiers: ClinVar variation 593128 (VCV000593128.17), dbSNP rs770535800, ClinGen allele CA8271994.